The following is an entry in ClinVar:

ClinVar aggregate classification (germline): Uncertain significance. Review status: criteria provided, multiple submitters, no conflicts (2 of 4 stars). 2 submissions from 2 submitters: Uncertain significance (2). Last evaluated 2024-03-09.

Conditions:
Malignant hyperthermia, susceptibility to, 1 (MHS1). Also called: Anesthesia related hyperthermia; Malignant hyperpyrexia; Fulminating hyperpyrexia; Pharmacogenic myopathy; RYR1-Related Malignant Hyperthermia Susceptibility; Malignant hyperthermia suceptibility 1. Identifiers: Orphanet 423, MedGen C2930980, MONDO:0007783, OMIM 145600.

Submissions (2):

GeneDx
Classification: Uncertain significance. Last evaluated: 2024-03-09. Review status: criteria provided, single submitter. Criteria: GeneDx Variant Classification Process June 2021. Collection method: clinical testing. Allele origin: germline. Affected: yes.
Comment: Not observed at significant frequency in large population cohorts (gnomAD); In silico analysis supports that this missense variant has a deleterious effect on protein structure/function; Has not been previously published as pathogenic or benign to our knowledge

All of Us Research Program, National Institutes of Health
Classification: Uncertain significance for Malignant hyperthermia, susceptibility to, 1. Last evaluated: 2023-05-31. Review status: criteria provided, single submitter. Criteria: ACMG Guidelines, 2015. Collection method: clinical testing. Allele origin: germline. Inheritance: Autosomal dominant inheritance. Observed: 1 variant allele, 1 heterozygote.
Comment: This study involves interpretation of variants in research participants for the purpose of population health screening. Participant phenotype was not available at the time of variant classification. Additional details can be found in publication PMID: 35346344, PMCID: PMC8962531

NM_000540.3(RYR1):c.3623G>T (p.Ser1208Ile)

Gene: RYR1 (ryanodine receptor 1; plus strand). Cytogenetic location: 19q13.2.
Variant type: single nucleotide variant.
Coding change: c.3623G>T on transcript NM_000540.3 (MANE Select); coding-DNA position 3623, G replaced by T.
Protein change: p.Ser1208Ile; replaces serine 1208 with isoleucine.
Molecular consequence: missense variant.
Genome position (GRCh38, 1-based): chr19:38,469,371, G>T. VCF-style: chr19-38469371-G-T. GRCh37 (hg19) VCF-style: chr19-38960011-G-T.
Other names: c.3623G>T, p.Ser1208Ile (NM_001042723.2); short protein forms S1208I.
Identifiers: ClinVar variation 3071444 (VCV003071444.2), dbSNP rs2514116755, ClinGen allele CA405639330.